The following is an entry in ClinVar:

ClinVar aggregate classification (germline): Uncertain significance. Review status: criteria provided, multiple submitters, no conflicts (2 of 4 stars). 2 submissions from 2 submitters: Uncertain significance (2). Last evaluated 2025-04-29.

Conditions:
Inborn genetic diseases. Identifiers: MedGen C0950123, MeSH D030342.
Zellweger spectrum disorders (ZS). Also called: Zellweger syndrome; Zellweger Spectrum Disorder (ZSD); Zellweger Spectrum Disorder; Zellweger Spectrum. Identifiers: Orphanet 912, MedGen C0043459, MONDO:0019609.

Allele frequency attached by ClinVar (database versions not stated): gnomAD exomes below 0.00001.
gnomAD v4.1: 2 of 1,567,530 alleles (0.00013%); highest among the groups gnomAD compares: Non-Finnish European, 0.00017%; no homozygotes.

Submissions (2):

Ambry Genetics
Classification: Uncertain significance for Inborn genetic diseases. Last evaluated: 2025-04-29. Review status: criteria provided, single submitter. Criteria: Ambry Variant Classification Scheme 2023. Collection method: clinical testing. Allele origin: germline.

Labcorp Genetics (formerly Invitae), Labcorp
Classification: Uncertain significance for Zellweger spectrum disorders. Last evaluated: 2022-07-02. Review status: criteria provided, single submitter. Criteria: Invitae Variant Classification Sherloc (09022015). Collection method: clinical testing. Allele origin: germline.
Comment: In summary, the available evidence is currently insufficient to determine the role of this variant in disease. Therefore, it has been classified as a Variant of Uncertain Significance. Algorithms developed to predict the effect of missense changes on protein structure and function are either unavailable or do not agree on the potential impact of this missense change (SIFT: "Tolerated"; PolyPhen-2: "Possibly Damaging"; Align-GVGD: "Class C0"). This variant has not been reported in the literature in individuals affected with PEX1-related conditions. This variant is not present in population databases (gnomAD no frequency). This sequence change replaces leucine, which is neutral and non-polar, with phenylalanine, which is neutral and non-polar, at codon 35 of the PEX1 protein (p.Leu35Phe).

NM_000466.3(PEX1):c.103C>T (p.Leu35Phe)

Gene: PEX1 (peroxisomal biogenesis factor 1; minus strand). Cytogenetic location: 7q21.2.
Variant type: single nucleotide variant.
Coding change: c.103C>T on transcript NM_000466.3 (MANE Select); coding-DNA position 103, C replaced by T.
Protein change: p.Leu35Phe; replaces leucine 35 with phenylalanine.
Molecular consequence: missense variant. On other transcripts: 5 prime UTR variant (1).
Genome position (GRCh38, 1-based): chr7:92,528,333, G>A on the plus strand (C>T on the coding strand, the complement: PEX1 is on the minus strand). VCF-style: chr7-92528333-G-A. GRCh37 (hg19) VCF-style: chr7-92157647-G-A.
Other names: c.103C>T, p.Leu35Phe (NM_001282677.2); c.-557C>T (NM_001282678.2); c.103C>T (NM_000466.2); short protein forms L35F.
Identifiers: ClinVar variation 2013277 (VCV002013277.3), dbSNP rs2484725523, ClinGen allele CA368207348.